The following is an entry in ClinVar:

ClinVar aggregate classification (germline): Uncertain significance (1 of 4 stars; one submission).

Submission:

CeGaT Center for Human Genetics Tuebingen
Classification: Uncertain significance. Last evaluated: 2023-04-01. Review status: criteria provided, single submitter. Criteria: CeGaT Center For Human Genetics Tuebingen Variant Classification Criteria Version 2. Collection method: clinical testing. Allele origin: germline. Affected: yes. Observed: 2 variant alleles.
Comment: IRF2BP2: PM2

NM_182972.3(IRF2BP2):c.1621C>T (p.Gln541Ter)

Gene: IRF2BP2 (interferon regulatory factor 2 binding protein 2; minus strand). Cytogenetic location: 1q42.3.
Variant type: single nucleotide variant.
Coding change: c.1621C>T on transcript NM_182972.3 (MANE Select); coding-DNA position 1621, C replaced by T.
Protein change: p.Gln541Ter; replaces glutamine 541 with a stop codon.
Molecular consequence: nonsense.
Genome position (GRCh38, 1-based): chr1:234,607,280, G>A on the plus strand (C>T on the coding strand, the complement: IRF2BP2 is on the minus strand). VCF-style: chr1-234607280-G-A. GRCh37 (hg19) VCF-style: chr1-234743026-G-A.
Other names: c.1573C>T, p.Gln525Ter (NM_001077397.1); short protein forms Q525*, Q541*.
Identifiers: ClinVar variation 932654 (VCV000932654.39), dbSNP rs1672190114, ClinGen allele CA345305096.